The following is an entry in ClinVar:

ClinVar aggregate classification (germline): Conflicting classifications of pathogenicity. Review status: criteria provided, conflicting classifications (1 of 4 stars). 6 submissions from 6 submitters: Uncertain significance (3); Likely benign (1). 2 of the submissions do not count toward it. Last evaluated 2026-01-19.

Conditions:
Cardiovascular phenotype. Identifiers: MedGen CN230736.
Distal myopathy with posterior leg and anterior hand involvement. Also called: WILLIAMS DISTAL MYOPATHY. Identifiers: Orphanet 63273, MedGen C3279722, MONDO:0013550, OMIM 614065.
Myofibrillar myopathy 5. Also called: FILAMINOPATHY, AUTOSOMAL DOMINANT; Filaminopathy (type). Identifiers: Orphanet 171445, MedGen C1836050, MONDO:0012289, OMIM 609524.
Hypertrophic cardiomyopathy 26. Also called: Cardiomyopathy, familial hypertrophic, 26. Identifiers: Orphanet 75249, MedGen C4310749, MONDO:0014883, OMIM 617047.

Allele frequency attached by ClinVar (database versions not stated): ExAC 0.00002; gnomAD exomes 0.00002; TOPMed 0.00003; gnomAD 0.00006.
gnomAD v4.1: 34 of 1,613,972 alleles (0.0021%); highest among the groups gnomAD compares: African/African-American, 0.0093%; no homozygotes.

Submissions (6):

Labcorp Genetics (formerly Invitae), Labcorp
Classification: Likely benign for Distal myopathy with posterior leg and anterior hand involvement; Myofibrillar myopathy 5; Hypertrophic cardiomyopathy 26. Last evaluated: 2026-01-19. Review status: criteria provided, single submitter. Criteria: Invitae Variant Classification Sherloc (09022015). Collection method: clinical testing. Allele origin: germline.

Ambry Genetics
Classification: Uncertain significance for Cardiovascular phenotype. Last evaluated: 2024-02-26. Review status: criteria provided, single submitter. Criteria: Ambry Variant Classification Scheme 2023. Collection method: clinical testing. Allele origin: germline.
Comment: The p.R629W variant (also known as c.1885C>T), located in coding exon 12 of the FLNC gene, results from a C to T substitution at nucleotide position 1885. The arginine at codon 629 is replaced by tryptophan, an amino acid with dissimilar properties. This amino acid position is well conserved in available vertebrate species. In addition, the in silico prediction for this alteration is inconclusive. Based on the available evidence, the clinical significance of this alteration remains unclear.

Molecular Genetics, Royal Melbourne Hospital
Classification: Uncertain significance for Distal myopathy with posterior leg and anterior hand involvement. Last evaluated: 2023-03-30. Review status: criteria provided, single submitter. Criteria: ACMG Guidelines, 2015. Collection method: clinical testing. Allele origin: germline.
Comment: This sequence change is predicted to replace arginine with tryptophan at codon 629 of the FLNC protein (p.(Arg629Trp)). The arginine residue is highly conserved (100 vertebrates, UCSC), and is located in a beta strand in the filamin 4 repeat domain. There is a large physicochemical difference between arginine and tryptophan. The variant is present in a large population cohort at a frequency of 0.003% (rs759376455, 9/280,900 alleles, 0 homozygotes in gnomAD v2.1), and has been reported as a variant of uncertain significance (ClinVar, LOVD). It has not been reported in the relevant medical literature. Multiple lines of computational evidence predict a deleterious effect for the missense substitution (5/6 algorithms). Based on the classification scheme RMH Modified ACMG Guidelines v1.3.2, this variant is classified as a VARIANT OF UNCERTAIN SIGNIFICANCE. Following criteria are met: PP3.

Revvity Omics, Revvity
Classification: Uncertain significance. Last evaluated: 2022-07-01. Review status: criteria provided, single submitter. Criteria: ACMG Guidelines, 2015. Collection method: clinical testing. Allele origin: germline.

Genome Diagnostics Laboratory, Amsterdam University Medical Center
Classification: Uncertain significance. Review status: no assertion criteria provided. Collection method: clinical testing. Allele origin: germline. Affected: yes. Study: VKGL Data-share Consensus. Not counted in ClinVar's aggregate classification.

Joint Genome Diagnostic Labs from Nijmegen and Maastricht, Radboudumc and MUMC+
Classification: Uncertain significance. Review status: no assertion criteria provided. Collection method: clinical testing. Allele origin: germline. Affected: yes. Study: VKGL Data-share Consensus. Not counted in ClinVar's aggregate classification.

NM_001458.5(FLNC):c.1885C>T (p.Arg629Trp)

Gene: FLNC (filamin C; plus strand). Cytogenetic location: 7q32.1.
Variant type: single nucleotide variant.
Coding change: c.1885C>T on transcript NM_001458.5 (MANE Select); coding-DNA position 1885, C replaced by T.
Protein change: p.Arg629Trp; replaces arginine 629 with tryptophan.
Molecular consequence: missense variant.
Genome position (GRCh38, 1-based): chr7:128,841,241, C>T. VCF-style: chr7-128841241-C-T. GRCh37 (hg19) VCF-style: chr7-128481295-C-T.
Other names: c.1885C>T, p.Arg629Trp (NM_001127487.2); short protein forms R629W.
Identifiers: ClinVar variation 664906 (VCV000664906.17), dbSNP rs759376455, ClinGen allele CA4474523.